The following is an entry in ClinVar:

NM_152424.4(AMER1):c.2266del (p.Glu756fs)

Gene: AMER1 (APC membrane recruitment protein 1; minus strand). Cytogenetic location: Xq11.2.
Variant type: Deletion.
Coding change: c.2266del on transcript NM_152424.4 (MANE Select); coding-DNA position 2266, one base deleted (G; older notation c.2266delG).
Protein change: p.Glu756fs; shifts the reading frame from glutamic acid 756.
Molecular consequence: frameshift variant.
Genome position (GRCh38, 1-based): chrX:64,191,021, C deleted on the plus strand (G on the coding strand, the reverse complement: AMER1 is on the minus strand); the first of 2 consecutive C bases (chrX:64,191,021-64,191,022); deleting either gives the same sequence. VCF-style (leftmost placement, unchanged base first): chrX-64191020-TC-T. GRCh37 (hg19) VCF-style: chrX-63410900-TC-T.
Other names: short protein forms E756fs.
Identifiers: ClinVar variation 423244 (VCV000423244.2), dbSNP rs1064796320, ClinGen allele CA16621458.
Genomic context (GRCh38, chrX:64,191,020, plus strand): 5'-AACTCTACCAGGGCCTGTGAGAAACTCACAGTGGCATTCCCTTCCTTCTCAACCTCCTCT[TC>T]CTCTGGATCTTCAGGGGGTGAATAAGTAGGGTAGGCCCTCCTGGGAGATCCTCCAAAATT-3'

ClinVar aggregate classification (germline): Uncertain significance (1 of 4 stars; one submission).

Submission:

GeneDx
Classification: Uncertain significance. Last evaluated: 2017-01-27. Review status: criteria provided, single submitter. Criteria: GeneDx Variant Classification (06012015). Collection method: clinical testing. Allele origin: germline. Affected: yes.
Comment: The c.2266delG variant in the AMER1 gene has not been reported previously as a pathogenic variantnor as a benign variant, to our knowledge. The c.2266delG variant causes a frameshift starting withcodon Glutamate 756, changes this amino acid to a Lysine residue, and creates a premature Stop codonat position 12 of the new reading frame, denoted p.Glu756LysfsX12. This variant is predicted to causeloss of normal protein function through protein truncation. The c.2266delG variant was not observedin approximately 6,500 individuals of European and African American ancestry in the NHLBI ExomeSequencing Project, indicating it is not a common benign variant in these populations. We interpretc.2266delG as a variant of uncertain significance